The following is an entry in ClinVar:

ClinVar aggregate classification (germline): Uncertain significance (1 of 4 stars; one submission).

Submission:

GeneDx
Classification: Uncertain significance. Last evaluated: 2024-12-07. Review status: criteria provided, single submitter. Criteria: GeneDx Variant Classification Process June 2021. Collection method: clinical testing. Allele origin: germline. Affected: yes.
Comment: Not observed at significant frequency in large population cohorts (gnomAD); In silico analysis supports that this missense variant has a deleterious effect on protein structure/function; Has not been previously published as pathogenic or benign to our knowledge; This variant is associated with the following publications: (PMID: 8906794)

NM_000264.5(PTCH1):c.2561G>T (p.Gly854Val)

Gene: PTCH1 (patched 1; minus strand). Cytogenetic location: 9q22.32.
Variant type: single nucleotide variant.
Coding change: c.2561G>T on transcript NM_000264.5 (MANE Select); coding-DNA position 2561, G replaced by T.
Protein change: p.Gly854Val; replaces glycine 854 with valine.
Molecular consequence: missense variant. On other transcripts: non-coding transcript variant (1).
Genome position (GRCh38, 1-based): chr9:95,461,998, C>A on the plus strand (G>T on the coding strand, the complement: PTCH1 is on the minus strand). VCF-style: chr9-95461998-C-A. GRCh37 (hg19) VCF-style: chr9-98224280-C-A.
Other names: c.2363G>T, p.Gly788Val (NM_001083602.3); c.2558G>T, p.Gly853Val (NM_001083603.3); c.2108G>T, p.Gly703Val (NM_001083604.3, NM_001083605.3, NM_001083606.3 and 1 more transcripts); c.2405G>T, p.Gly802Val (NM_001354918.2); short protein forms G703V, G788V, G802V, G853V, G854V.
Identifiers: ClinVar variation 3901400 (VCV003901400.1).
Genomic context (GRCh38, chr9:95,461,998, plus strand): 5'-TTGTAATTGTTTGGCATGATTTTCCCGGTTTCCCAGTCACTGTCAAATGCATCCTGAAGT[C>A]CTAGAAATGGCAAATGATTGTAACACATTATAACTCGCAGCCAGAAGGACCCTGGTCCTA-3'
Protein context (NP_000255.2, residues 844-864): WLHYFRDWLQ[Gly854Val]LQDAFDSDWE